The following is an entry in ClinVar:

NM_001458.5(FLNC):c.1246G>A (p.Asp416Asn)

Gene: FLNC (filamin C; plus strand). Cytogenetic location: 7q32.1.
Variant type: single nucleotide variant.
Coding change: c.1246G>A on transcript NM_001458.5 (MANE Select); coding-DNA position 1246, G replaced by A.
Protein change: p.Asp416Asn; replaces aspartic acid 416 with asparagine.
Molecular consequence: missense variant.
Genome position (GRCh38, 1-based): chr7:128,838,638, G>A. VCF-style: chr7-128838638-G-A. GRCh37 (hg19) VCF-style: chr7-128478692-G-A.
Other names: c.1246G>A, p.Asp416Asn (NM_001127487.2); short protein forms D416N.
Identifiers: ClinVar variation 2011993 (VCV002011993.5), dbSNP rs2128934494, ClinGen allele CA369224436.
Genomic context (GRCh38, chr7:128,838,638, plus strand): 5'-TGCTGACAGCCTCTGTTTTCGGCAGGGGCCGGCACTGGCGATGTTGCTGTGGTGATCGTG[G>A]ACCCACAGGGCCGGCGGGACACAGTGGAGGTGGCCCTGGAGGACAAGGGTGACAGCACGT-3'
Protein context (NP_001449.3, residues 406-426): GTGDVAVVIV[Asp416Asn]PQGRRDTVEV

ClinVar aggregate classification (germline): Uncertain significance. Review status: criteria provided, multiple submitters, no conflicts (2 of 4 stars). 2 submissions from 2 submitters: Uncertain significance (2). Last evaluated 2024-12-30.

Conditions:
Myofibrillar myopathy 5. Also called: Filaminopathy (type); FILAMINOPATHY, AUTOSOMAL DOMINANT. Identifiers: Orphanet 171445, MedGen C1836050, MONDO:0012289, OMIM 609524.
Hypertrophic cardiomyopathy 26. Also called: Cardiomyopathy, familial hypertrophic, 26. Identifiers: Orphanet 75249, MedGen C4310749, MONDO:0014883, OMIM 617047.
Distal myopathy with posterior leg and anterior hand involvement. Also called: WILLIAMS DISTAL MYOPATHY. Identifiers: Orphanet 63273, MedGen C3279722, MONDO:0013550, OMIM 614065.

Submissions (2):

GeneDx
Classification: Uncertain significance. Last evaluated: 2024-12-30. Review status: criteria provided, single submitter. Criteria: GeneDx Variant Classification Process June 2021. Collection method: clinical testing. Allele origin: germline. Affected: yes.
Comment: Not observed at significant frequency in large population cohorts (gnomAD); In silico analysis supports that this missense variant has a deleterious effect on protein structure/function; Has not been previously published as pathogenic or benign to our knowledge

Labcorp Genetics (formerly Invitae), Labcorp
Classification: Uncertain significance for Distal myopathy with posterior leg and anterior hand involvement; Myofibrillar myopathy 5; Hypertrophic cardiomyopathy 26. Last evaluated: 2022-06-28. Review status: criteria provided, single submitter. Criteria: Invitae Variant Classification Sherloc (09022015). Collection method: clinical testing. Allele origin: germline.
Comment: In summary, the available evidence is currently insufficient to determine the role of this variant in disease. Therefore, it has been classified as a Variant of Uncertain Significance. Algorithms developed to predict the effect of missense changes on protein structure and function are either unavailable or do not agree on the potential impact of this missense change (SIFT: "Deleterious"; PolyPhen-2: "Probably Damaging"; Align-GVGD: "Class C0"). This variant has not been reported in the literature in individuals affected with FLNC-related conditions. This variant is not present in population databases (gnomAD no frequency). This sequence change replaces aspartic acid, which is acidic and polar, with asparagine, which is neutral and polar, at codon 416 of the FLNC protein (p.Asp416Asn).